The following is an entry in ClinVar:

NM_001174150.2(ARL13B):c.1144G>T (p.Gly382Cys)

Gene: ARL13B (ARF like GTPase 13B; plus strand). Cytogenetic location: 3q11.2.
Variant type: single nucleotide variant.
Coding change: c.1144G>T on transcript NM_001174150.2 (MANE Select); coding-DNA position 1144, G replaced by T.
Protein change: p.Gly382Cys; replaces glycine 382 with cysteine.
Molecular consequence: missense variant. On other transcripts: non-coding transcript variant (2).
Genome position (GRCh38, 1-based): chr3:94,050,826, G>T. VCF-style: chr3-94050826-G-T. GRCh37 (hg19) VCF-style: chr3-93769670-G-T.
Other names: c.835G>T, p.Gly279Cys (NM_001174151.2); c.1099G>T, p.Gly367Cys (NM_001321328.2); c.823G>T, p.Gly275Cys (NM_144996.4); c.1144G>T, p.Gly382Cys (NM_182896.3); short protein forms G382C, G367C, G275C, G279C.
Identifiers: ClinVar variation 2134556 (VCV002134556.4), dbSNP rs2107197902, ClinGen allele CA353679596.
Genomic context (GRCh38, chr3:94,050,826, plus strand): 5'-ACAGACCTAAAGAAACCTTGTTTAACAGTGTTTTTTAAATGTTTTTCTTTTTCTTTAGTT[G>T]GCTGGGGAACCCCTAAAGTCACTAGACTTCCAAAACTTGAGCCTCTTGGTGAAACACATC-3'
Protein context (NP_001167621.1, residues 372-392): PTPPPPPPPV[Gly382Cys]WGTPKVTRLP

ClinVar aggregate classification (germline): Uncertain significance (1 of 4 stars; one submission).

Conditions:
Joubert syndrome 8 (JBTS8). Identifiers: Orphanet 475, MedGen C2676771, MONDO:0012855, OMIM 612291.

Submission:

Labcorp Genetics (formerly Invitae), Labcorp
Classification: Uncertain significance for Joubert syndrome 8. Last evaluated: 2022-05-06. Review status: criteria provided, single submitter. Criteria: Invitae Variant Classification Sherloc (09022015). Collection method: clinical testing. Allele origin: germline.
Comment: In summary, the available evidence is currently insufficient to determine the role of this variant in disease. Therefore, it has been classified as a Variant of Uncertain Significance. Algorithms developed to predict the effect of missense changes on protein structure and function are either unavailable or do not agree on the potential impact of this missense change (SIFT: "Deleterious"; PolyPhen-2: "Probably Damaging"; Align-GVGD: "Class C0"). This variant has not been reported in the literature in individuals affected with ARL13B-related conditions. This variant is not present in population databases (gnomAD no frequency). This sequence change replaces glycine, which is neutral and non-polar, with cysteine, which is neutral and slightly polar, at codon 382 of the ARL13B protein (p.Gly382Cys).